The following is an entry in ClinVar:

NM_001377142.1(PLCB4):c.3415A>G (p.Met1139Val)

Gene: PLCB4 (phospholipase C beta 4; plus strand). Cytogenetic location: 20p12.2.
Variant type: single nucleotide variant.
Coding change: c.3415A>G on transcript NM_001377142.1 (MANE Select); coding-DNA position 3415, A replaced by G.
Protein change: p.Met1139Val; replaces methionine 1139 with valine.
Molecular consequence: missense variant.
Genome position (GRCh38, 1-based): chr20:9,473,285, A>G. VCF-style: chr20-9473285-A-G. GRCh37 (hg19) VCF-style: chr20-9453932-A-G.
Other names: c.3379A>G, p.Met1127Val (NM_001377134.2, NM_001377135.1, NM_001377136.1 and 2 more transcripts); c.3415A>G, p.Met1139Val (NM_001377143.1, NM_001172646.2); short protein forms M1127V, M1139V.
Identifiers: ClinVar variation 4886167 (VCV004886167.2).
Genomic context (GRCh38, chr20:9,473,285, plus strand): 5'-TTAAGATTGTAACCCAAAGTTCAATCAGAATTTTTTTTTTTTTTTTTTTTGCAGCTTGCC[A>G]TGAAGCAGTCCAAAGAAATGGATCAGTTGAAAAAAGTCCAGCTTGAACATCTAGAATTCC-3'
Protein context (NP_001364071.1, residues 1129-1149): KFLEERKRLA[Met1139Val]KQSKEMDQLK

ClinVar aggregate classification (germline): Uncertain significance (1 of 4 stars; one submission).

Submission:

Dasa
Classification: Uncertain significance. Last evaluated: 2024-06-26. Review status: criteria provided, single submitter. Criteria: DASA Assertion Criteria. Collection method: clinical testing. Allele origin: germline.
Comment: NM_001377142.1(PLCB4):c.3415A>G (p.Met1139Val) is a missense variant that results in the substitution of methionine with valine. This variant is rare in population databases. Computational prediction algorithms are consistent with a benign effect. The currently available literature and clinical evidence are not sufficient to establish a definitive association between this variant and the reported condition. Therefore, this variant is classified as a variant of uncertain significance.